The following is an entry in ClinVar:

ClinVar aggregate classification (germline): Uncertain significance (1 of 4 stars; one submission).

Conditions:
Cortical dysplasia-focal epilepsy syndrome (PTHSL1). Also called: Pitt-Hopkins-like syndrome 1. Identifiers: Orphanet 163681, Orphanet 221150, MedGen C2750246, MONDO:0012400, OMIM 610042.

Allele frequency attached by ClinVar (database versions not stated): gnomAD exomes below 0.00001; gnomAD 0.00001; TOPMed 0.00001.
gnomAD v4.1: 2 of 1,613,628 alleles (0.00012%); highest among the groups gnomAD compares: Admixed American, 0.0017%; no homozygotes.

Submission:

Labcorp Genetics (formerly Invitae), Labcorp
Classification: Uncertain significance for Cortical dysplasia-focal epilepsy syndrome. Last evaluated: 2022-09-27. Review status: criteria provided, single submitter. Criteria: Invitae Variant Classification Sherloc (09022015). Collection method: clinical testing. Allele origin: germline.
Comment: In summary, the available evidence is currently insufficient to determine the role of this variant in disease. Therefore, it has been classified as a Variant of Uncertain Significance. Algorithms developed to predict the effect of missense changes on protein structure and function are either unavailable or do not agree on the potential impact of this missense change (SIFT: "Deleterious"; PolyPhen-2: "Probably Damaging"; Align-GVGD: "Class C0"). This variant has not been reported in the literature in individuals affected with CNTNAP2-related conditions. This variant is present in population databases (no rsID available, gnomAD 0.007%). This sequence change replaces alanine, which is neutral and non-polar, with threonine, which is neutral and polar, at codon 63 of the CNTNAP2 protein (p.Ala63Thr).

NM_014141.6(CNTNAP2):c.187G>A (p.Ala63Thr)

Gene: CNTNAP2 (contactin associated protein 2; plus strand). Cytogenetic location: 7q35.
Variant type: single nucleotide variant.
Coding change: c.187G>A on transcript NM_014141.6 (MANE Select); coding-DNA position 187, G replaced by A.
Protein change: p.Ala63Thr; replaces alanine 63 with threonine.
Molecular consequence: missense variant.
Genome position (GRCh38, 1-based): chr7:146,774,360, G>A. VCF-style: chr7-146774360-G-A. GRCh37 (hg19) VCF-style: chr7-146471452-G-A.
Other names: short protein forms A63T.
Identifiers: ClinVar variation 2138891 (VCV002138891.3), dbSNP rs1047471077, ClinGen allele CA168644354.